The following is an entry in ClinVar:

NM_006158.5(NEFL):c.293A>G (p.Asn98Ser)

Gene: NEFL (neurofilament light chain; minus strand). Cytogenetic location: 8p21.2.
Variant type: single nucleotide variant.
Coding change: c.293A>G on transcript NM_006158.5 (MANE Select); coding-DNA position 293, A replaced by G.
Protein change: p.Asn98Ser; replaces asparagine 98 with serine.
Molecular consequence: missense variant.
Genome position (GRCh38, 1-based): chr8:24,956,223, T>C on the plus strand (A>G on the coding strand, the complement: NEFL is on the minus strand). VCF-style: chr8-24956223-T-C. GRCh37 (hg19) VCF-style: chr8-24813737-T-C.
Other names: NEFL, ASN98SER (rs58982919); short protein forms N98S.
Identifiers: ClinVar variation 41236 (VCV000041236.70), dbSNP rs58982919, ClinGen allele CA217547.

ClinVar aggregate classification (germline): Pathogenic/Likely pathogenic. Review status: criteria provided, multiple submitters, no conflicts (2 of 4 stars). 17 submissions from 17 submitters: Pathogenic (12); Likely pathogenic (1). 4 of the submissions do not count toward it. Last evaluated 2025-12-09.

Conditions:
NEFL-related disorder. Also called: NEFL-related condition.
Charcot-Marie-Tooth disease type 1F. Also called: Charcot-Marie-Tooth disease, demyelinating, type 1f; CHARCOT-MARIE-TOOTH NEUROPATHY, TYPE 1F. Identifiers: Orphanet 101085, MedGen C1843164, MONDO:0011902, OMIM 607734.
Charcot-Marie-Tooth disease type 2E (CMT2E). Also called: CHARCOT-MARIE-TOOTH NEUROPATHY, TYPE 2E; CHARCOT-MARIE-TOOTH DISEASE, AXONAL, TYPE 2E. Identifiers: Orphanet 99939, MedGen C1843225, MONDO:0011894, OMIM 607684.
Charcot-Marie-Tooth disease, dominant intermediate G. Identifiers: MedGen C4693509, MONDO:0036484, OMIM 617882.
Sensorineural hearing loss disorder. Also called: Sensorineural hearing impairment; Sensorineural Deafness; Sensorineural hearing loss. Identifiers: MedGen C0018784, MeSH D006319, MONDO:0020678, HP:0000407.
Developmental disorder. Identifiers: MedGen C0008073.
Charcot-Marie-Tooth disease. Also called: Charcot-Marie-Tooth Neuropathy; Charcot-Marie-Tooth Hereditary Neuropathy. Identifiers: Orphanet 166, MedGen C0007959, MONDO:0015626.

Submissions (17):

Labcorp Genetics (formerly Invitae), Labcorp
Classification: Pathogenic for Charcot-Marie-Tooth disease type 2E. Last evaluated: 2025-12-09. Review status: criteria provided, single submitter. Criteria: Invitae Variant Classification Sherloc (09022015). Collection method: clinical testing. Allele origin: germline.
Comment: This sequence change replaces asparagine, which is neutral and polar, with serine, which is neutral and polar, at codon 98 of the NEFL protein (p.Asn98Ser). This variant is not present in population databases (gnomAD no frequency). This missense change has been observed in individual(s) with autosomal dominant Charcot-Marie-Tooth disease (PMID: 12477167, 12566280, 19158810, 21840889, 25448007, 26645395, 27206872). In at least one individual the variant was observed to be de novo. This variant is also known as p.Asn97Ser. ClinVar contains an entry for this variant (Variation ID: 41236). Invitae Evidence Modeling of protein sequence and biophysical properties (such as structural, functional, and spatial information, amino acid conservation, physicochemical variation, residue mobility, and thermodynamic stability) indicates that this missense variant is expected to disrupt NEFL protein function with a positive predictive value of 80%. Experimental studies have shown that this missense change affects NEFL function (PMID: 25448007, 25552649). For these reasons, this variant has been classified as Pathogenic.

Variantyx, Inc.
Classification: Pathogenic for Charcot-Marie-Tooth disease type 2E. Last evaluated: 2025-12-07. Review status: criteria provided, single submitter. Criteria: Variantyx Assertion Criteria 2022. Collection method: clinical testing. Allele origin: germline. Inheritance: Autosomal recessive inheritance. Affected: yes.
Comment: This is a nonsynonymous variant in the NEFL gene (OMIM: 162280). Pathogenic variants in this gene have been associated with autosomal dominant Charcot-Marie-Tooth disease, type 2E. This variant has been reported in several unrelated affected individuals (PMID: 19158810, 21840889, 26645395, 27206872) (PS4_Moderate) and is absent from control populations (PM2). Functional studies have shown that this variant alters NEFL protein function (PMID: 25448007, 25552649) (PS3). Based on the current evidence, this variant is classified as pathogenic for autosomal dominant Charcot-Marie-Tooth disease, type 2E.

3billion
Classification: Pathogenic for NEFL-related disorder. Last evaluated: 2024-08-11. Review status: criteria provided, single submitter. Criteria: ACMG Guidelines, 2015. Collection method: clinical testing. Allele origin: germline. Affected: yes.
Comment: The variant is not observed in the gnomAD v4.0.0 dataset. Predicted Consequence/Location: Missense variant Functional studies provide strong evidence of the variant having a damaging effect on the gene or gene product (PMID: 25552649). In silico tool predictions suggest damaging effect of the variant on gene or gene product [3Cnet: 0.99 (>=0.6, sensitivity 0.72 and precision 0.9)]. The same nucleotide change resulting in the same amino acid change has been previously reported as pathogenic/likely pathogenic with strong evidence (ClinVar ID: VCV000041236 /PMID: 12477167 /3billion dataset). Different missense changes at the same codon (p.Asn98His, p.Asn98Lys, p.Asn98Tyr) have been reported as pathogenic/likely pathogenic with strong evidence (ClinVar ID: VCV000372433, VCV002579045 /PMID: 31211173 /3billion dataset). Therefore, this variant is classified as Pathogenic according to the recommendation of ACMG/AMP guideline.

CeGaT Center for Human Genetics Tuebingen
Classification: Pathogenic. Last evaluated: 2024-07-01. Review status: criteria provided, single submitter. Criteria: CeGaT Center For Human Genetics Tuebingen Variant Classification Criteria Version 2. Collection method: clinical testing. Allele origin: germline. Affected: yes. Observed: 4 variant alleles.
Comment: NEFL: PS2:Very Strong, PM2, PS3:Moderate, PS4:Moderate, PP1

Illumina Laboratory Services, Illumina
Classification: Pathogenic for Charcot-Marie-Tooth disease. Last evaluated: 2023-08-14. Review status: criteria provided, single submitter. Criteria: ICSLVariantClassificationCriteria RUGD 01 April 2020. Collection method: clinical testing. Allele origin: unknown.
Comment: The NEFL c.293A>G (p.Asn98Ser) missense variant has been identified in at least eight unrelated individuals with a phenotype consistent with Charcot-Marie-Tooth disease, including in a de novo state (PMID: 35872528; 28501821; 21840889; 31211173; 30373780; 27206872). In one family, the variant segregated with the disease in the proband's affected son. This variant is not observed in version 2.1.1 or version 3.1.2 of the Genome Aggregation Database. Motor neurons derived from patient induced pluripotent stem cells show abnormalities in cytoskeletal structure, mitochondrial trafficking, and electrophysiological properties (PMID: 25448007). A knock-in mouse model of the p.Asn98Ser variant also shows tremor as well as cellular features of neuropathy (PMID: 25448007). This variant has been classified as pathogenic by at least three submitters in ClinVar. Based on the available evidence, the c.293A>G (p.Asn98Ser) variant is classified as pathogenic for Charcot-Marie-Tooth disease.

GeneDx
Classification: Pathogenic. Last evaluated: 2023-03-20. Review status: criteria provided, single submitter. Criteria: GeneDx Variant Classification Process June 2021. Collection method: clinical testing. Allele origin: germline. Affected: yes.
Comment: Published functional studies in an animal model indicate that the N98S substitution results in a significant reduction in the number of neurofilaments, reduced axonal diameters, and in distal axon loss in the peripheral nervous system (Adebola et al., 2015; Zhao et al., 2017; Lancaster et al., 2018); Not observed in large population cohorts (gnomAD); This variant is associated with the following publications: (PMID: 19158810, 26645395, 28501821, 20301384, 27206872, 27863451, 28238949, 12566280, 21840889, 12477167, 25448007, 25552649, 28654681, 29293505, 29940160, 27458838, 30373780, 32376792, 34232518, 31827005, 33144682, 32907636, 32399692, 31211173, 35872528)

Laboratory for Molecular Medicine, Mass General Brigham Personalized Medicine
Classification: Pathogenic for Charcot-Marie-Tooth disease. Last evaluated: 2022-11-03. Review status: criteria provided, single submitter. Criteria: ACMG Guidelines, 2015. Collection method: clinical testing. Allele origin: germline.
Comment: The p.Asn98Ser variant in NEFL has been reported in several individuals affected with Charcot-Marie-Tooth disease, also as a de novo occurence (Abe 2009 PMID: 19158810, Baets 2011 PMID: 21840889, Saporta 2015 PMID: 25448007, Yoshihara 2002 PMID: 12477167, Yang 2016 PMID: 27206872, Jordanova 2003 PMID: 12566280, Berciano 2016 PMID: 26645395, Adebola 2015 PMID: 25552649, Volodarsky 2021 PMID: 32376792) and was absent from large population studies. This variant has also been reported in ClinVar (Variation ID 41236). Computational prediction tools and conservation analyses suggest that this variant may impact the protein, though this information is not predictive enough to determine pathogenicity. Animal models in mice have shown that this variant causes Charcot-Marie-Tooth disease (Adebola 2015 PMID: 25552649, Saporta 2015 PMID: 25448007). In summary, this variant meets criteria to be classified as pathogenic for autosomal dominant Charcot-Marie-Tooth disease. ACMG/AMP Criteria applied: PS2, PP3, PM2_supporting, PS3_Strong, PS4.

Blueprint Genetics
Classification: Pathogenic for NEFL-related disorders. Last evaluated: 2022-04-20. Review status: criteria provided, single submitter. Criteria: ACMG Guidelines, 2015. Collection method: clinical testing. Allele origin: germline. Affected: yes. Observed: 4 variant alleles.

Department of Genetics, Rouen University Hospital, Normandy Center for Genomic and Personalized Medicine
Classification: Likely pathogenic for Developmental disorder; Sensorineural hearing loss disorder. Last evaluated: 2021-10-06. Review status: criteria provided, single submitter. Criteria: ACMG Guidelines, 2015. Collection method: clinical testing. Allele origin: unknown. Affected: yes.

Institute of Human Genetics Munich, TUM University Hospital
Classification: Pathogenic for Charcot-Marie-Tooth disease type 1F. Last evaluated: 2021-09-28. Review status: criteria provided, single submitter. Criteria: Classification criteria August 2017. Collection method: clinical testing. Allele origin: germline, de novo. Inheritance: Autosomal dominant inheritance. Affected: yes. Observed: 2 variant alleles.

Equipe Genetique des Anomalies du Developpement, Université de Bourgogne
Classification: Pathogenic for Charcot-Marie-Tooth disease type 2E; Charcot-Marie-Tooth disease type 1F; Charcot-Marie-Tooth disease, dominant intermediate G. Last evaluated: 2019-05-15. Review status: criteria provided, single submitter. Criteria: ACMG Guidelines, 2015. Collection method: clinical testing. Allele origin: de novo. Affected: yes.

Centre for Mendelian Genomics, University Medical Centre Ljubljana
Classification: Pathogenic for Charcot-Marie-Tooth disease type 1F. Last evaluated: 2016-01-01. Review status: criteria provided, single submitter. Criteria: ACMG Guidelines, 2015. Collection method: clinical testing. Allele origin: unknown. Affected: yes.
Comment: This variant was classified as: Pathogenic.

Molecular Genetics Laboratory, London Health Sciences Centre
Classification: Pathogenic for Charcot-Marie-Tooth disease. Review status: criteria provided, single submitter. Criteria: ACMG Guidelines, 2015. Collection method: clinical testing. Allele origin: germline. Affected: yes.

OMIM
Classification: Pathogenic for CHARCOT-MARIE-TOOTH DISEASE, DOMINANT INTERMEDIATE G. Last evaluated: 2023-04-07. Review status: no assertion criteria provided. Collection method: literature only. Allele origin: germline. Not counted in ClinVar's aggregate classification.

Genesis Genome Database
Classification: Uncertain significance for Charcot-Marie-Tooth disease. Last evaluated: 2019-08-14. Review status: no assertion criteria provided. Collection method: research. Allele origin: germline. Affected: yes. Not counted in ClinVar's aggregate classification.

Epithelial Biology;  Institute of Medical Biology, Singapore
No classification provided. Review status: no classification provided. Collection method: not provided. Allele origin: not provided. Not counted in ClinVar's aggregate classification.

GeneReviews
No classification provided. Condition: Charcot-Marie-Tooth disease type 1F. Review status: no classification provided. Collection method: literature only. Allele origin: unknown. Not counted in ClinVar's aggregate classification.

Literature cited by the submitters: PubMed 12477167 (cited by Labcorp Genetics (formerly Invitae), Labcorp and 3billion); PubMed 12566280 (cited by Labcorp Genetics (formerly Invitae), Labcorp and Variantyx, Inc.); PubMed 19158810 (cited by Labcorp Genetics (formerly Invitae), Labcorp and Variantyx, Inc.); PubMed 21840889 (cited by Labcorp Genetics (formerly Invitae), Labcorp and Variantyx, Inc.); PubMed 25448007 (cited by Labcorp Genetics (formerly Invitae), Labcorp and Variantyx, Inc.); PubMed 26645395 (cited by 3 submitters); PubMed 27206872 (cited by Labcorp Genetics (formerly Invitae), Labcorp and Variantyx, Inc.); PubMed 25552649 (cited by 3 submitters); PubMed 31211173 (cited by 3billion); PubMed 20301384 (cited by GeneReviews); NCBI Bookshelf NBK1205 (cited by GeneReviews).